The following is an entry in ClinVar:

ClinVar aggregate classification (germline): Uncertain significance. Review status: criteria provided, multiple submitters, no conflicts (2 of 4 stars). 2 submissions from 2 submitters: Uncertain significance (2). Last evaluated 2023-06-15.

Conditions:
Inborn genetic diseases. Identifiers: MedGen C0950123, MeSH D030342.

Allele frequency attached by ClinVar (database versions not stated): TOPMed 0.00024; ESP Exome Variant Server 0.00015; gnomAD 0.00017; ExAC 0.00003.
gnomAD v4.1: 46 of 1,613,904 alleles (0.0029%); highest among the groups gnomAD compares: African/African-American, 0.059%; no homozygotes.

Submissions (2):

Labcorp Genetics (formerly Invitae), Labcorp
Classification: Uncertain significance. Last evaluated: 2023-06-15. Review status: criteria provided, single submitter. Criteria: Invitae Variant Classification Sherloc (09022015). Collection method: clinical testing. Allele origin: germline.
Comment: In summary, the available evidence is currently insufficient to determine the role of this variant in disease. Therefore, it has been classified as a Variant of Uncertain Significance. An algorithm developed to predict the effect of missense changes on protein structure and function (PolyPhen-2) suggests that this variant is likely to be tolerated. ClinVar contains an entry for this variant (Variation ID: 2072167). This variant has not been reported in the literature in individuals affected with LAMB1-related conditions. This sequence change replaces leucine, which is neutral and non-polar, with isoleucine, which is neutral and non-polar, at codon 942 of the LAMB1 protein (p.Leu942Ile). This variant is present in population databases (rs144170169, gnomAD 0.05%).

Ambry Genetics
Classification: Uncertain significance for Inborn genetic diseases. Last evaluated: 2021-08-09. Review status: criteria provided, single submitter. Criteria: Ambry Variant Classification Scheme 2023. Collection method: clinical testing. Allele origin: germline.

NM_002291.3(LAMB1):c.2824C>A (p.Leu942Ile)

Gene: LAMB1 (laminin subunit beta 1; minus strand). Cytogenetic location: 7q31.1.
Variant type: single nucleotide variant.
Coding change: c.2824C>A on transcript NM_002291.3 (MANE Select); coding-DNA position 2824, C replaced by A.
Protein change: p.Leu942Ile; replaces leucine 942 with isoleucine.
Molecular consequence: missense variant.
Genome position (GRCh38, 1-based): chr7:107,955,497, G>T on the plus strand (C>A on the coding strand, the complement: LAMB1 is on the minus strand). VCF-style: chr7-107955497-G-T. GRCh37 (hg19) VCF-style: chr7-107595942-G-T.
Other names: short protein forms L942I.
Identifiers: ClinVar variation 2072167 (VCV002072167.5), dbSNP rs144170169, ClinGen allele CA4435519.